The following is an entry in ClinVar:

ClinVar aggregate classification (germline): Likely benign (1 of 4 stars; one submission).

Submission:

CeGaT Center for Human Genetics Tuebingen
Classification: Likely benign. Last evaluated: 2025-05-01. Review status: criteria provided, single submitter. Criteria: CeGaT Center For Human Genetics Tuebingen Variant Classification Criteria Version 2. Collection method: clinical testing. Allele origin: germline. Affected: yes. Observed: 1 variant allele.
Comment: FZD2: PM2:Supporting, BP4, BP7

NM_001466.4(FZD2):c.543T>G (p.Gly181=)

Gene: FZD2 (frizzled class receptor 2; plus strand). Cytogenetic location: 17q21.31.
Variant type: single nucleotide variant.
Coding change: c.543T>G on transcript NM_001466.4 (MANE Select); coding-DNA position 543, T replaced by G.
Protein change: p.Gly181=; no amino-acid change (glycine 181 retained).
Molecular consequence: synonymous variant.
Genome position (GRCh38, 1-based): chr17:44,558,231, T>G. VCF-style: chr17-44558231-T-G. GRCh37 (hg19) VCF-style: chr17-42635599-T-G.
Identifiers: ClinVar variation 3905174 (VCV003905174.10).